The following is an entry in ClinVar:

NM_001378969.1(KCND3):c.1943A>G (p.Asn648Ser)

Gene: KCND3 (potassium voltage-gated channel subfamily D member 3; minus strand). Cytogenetic location: 1p13.2.
Variant type: single nucleotide variant.
Coding change: c.1943A>G on transcript NM_001378969.1 (MANE Select); coding-DNA position 1943, A replaced by G.
Protein change: p.Asn648Ser; replaces asparagine 648 with serine.
Molecular consequence: missense variant.
Genome position (GRCh38, 1-based): chr1:111,776,102, T>C on the plus strand (A>G on the coding strand, the complement: KCND3 is on the minus strand). VCF-style: chr1-111776102-T-C. GRCh37 (hg19) VCF-style: chr1-112318724-T-C.
Other names: c.1886A>G, p.Asn629Ser (NM_001378970.1, NM_172198.3); c.1943A>G, p.Asn648Ser (NM_004980.5); short protein forms N629S, N648S.
Identifiers: ClinVar variation 954104 (VCV000954104.8), dbSNP rs766562520, ClinGen allele CA28895858.

ClinVar aggregate classification (germline): Uncertain significance (1 of 4 stars; one submission).

Conditions:
Spinocerebellar ataxia type 19/22 (SCA19). Also called: SPINOCEREBELLAR ATAXIA 19; SPINOCEREBELLAR ATAXIA 22. Identifiers: Orphanet 98772, MedGen C1846367, MONDO:0011819, OMIM 607346.

Allele frequency attached by ClinVar (database versions not stated): gnomAD 0.00001; TOPMed 0.00002.
gnomAD v4.1: 18 of 1,614,066 alleles (0.0011%); highest among the groups gnomAD compares: East Asian, 0.0067%; no homozygotes.

Submission:

Labcorp Genetics (formerly Invitae), Labcorp
Classification: Uncertain significance for Spinocerebellar ataxia type 19/22. Last evaluated: 2022-08-10. Review status: criteria provided, single submitter. Criteria: Invitae Variant Classification Sherloc (09022015). Collection method: clinical testing. Allele origin: germline.
Comment: This variant is present in population databases (no rsID available, gnomAD 0.006%). This sequence change replaces asparagine, which is neutral and polar, with serine, which is neutral and polar, at codon 648 of the KCND3 protein (p.Asn648Ser). This variant has not been reported in the literature in individuals affected with KCND3-related conditions. In summary, the available evidence is currently insufficient to determine the role of this variant in disease. Therefore, it has been classified as a Variant of Uncertain Significance. Algorithms developed to predict the effect of missense changes on protein structure and function (SIFT, PolyPhen-2, Align-GVGD) all suggest that this variant is likely to be tolerated. ClinVar contains an entry for this variant (Variation ID: 954104).